The following is an entry in ClinVar:

ClinVar aggregate classification (germline): Likely benign. Review status: criteria provided, multiple submitters, no conflicts (2 of 4 stars). 3 submissions from 3 submitters: Likely benign (3). Last evaluated 2025-07-21.

Conditions:
Long QT syndrome (LQTS). Identifiers: MedGen C0023976, MeSH D008133, MONDO:0002442. Disease mechanism: loss of function. Inheritance: Various modes of inheritance.
Cardiovascular phenotype. Identifiers: MedGen CN230736.

Allele frequency attached by ClinVar (database versions not stated): ExAC 0.00001; gnomAD 0.00001; TOPMed 0.00001; gnomAD exomes below 0.00001.
gnomAD v4.1: 7 of 1,613,580 alleles (0.00043%); highest among the groups gnomAD compares: Middle Eastern, 0.017%; no homozygotes.

Submissions (3):

Labcorp Genetics (formerly Invitae), Labcorp
Classification: Likely benign for Long QT syndrome. Last evaluated: 2025-07-21. Review status: criteria provided, single submitter. Criteria: Invitae Variant Classification Sherloc (09022015). Collection method: clinical testing. Allele origin: germline.

GeneDx
Classification: Likely benign. Last evaluated: 2017-04-04. Review status: criteria provided, single submitter. Criteria: GeneDx Variant Classification (06012015). Collection method: clinical testing. Allele origin: germline. Affected: yes.
Comment: This variant is considered likely benign or benign based on one or more of the following criteria: it is a conservative change, it occurs at a poorly conserved position in the protein, it is predicted to be benign by multiple in silico algorithms, and/or has population frequency not consistent with disease.

Ambry Genetics
Classification: Likely benign for Cardiovascular phenotype. Last evaluated: 2016-03-03. Review status: criteria provided, single submitter. Criteria: Ambry Variant Classification Scheme 2023. Collection method: clinical testing. Allele origin: germline.

NM_001148.6(ANK2):c.5616G>A (p.Ser1872=)

Genes: ANK2 (ankyrin 2; plus strand), LOC126807136 (MED14-independent group 3 enhancer GRCh37_chr4:114274931-114276130; plus strand). Cytogenetic location: 4q26.
Variant type: single nucleotide variant.
Coding change: c.5616G>A on transcript NM_001148.6 (MANE Select); coding-DNA position 5616, G replaced by A.
Protein change: p.Ser1872=; no amino-acid change (serine 1872 retained).
Molecular consequence: synonymous variant. On other transcripts: intron variant (68).
Genome position (GRCh38, 1-based): chr4:113,354,234, G>A. VCF-style: chr4-113354234-G-A. GRCh37 (hg19) VCF-style: chr4-114275390-G-A.
Other names: c.5382G>A, p.Ser1794= (NM_001386142.1); c.2016G>A, p.Ser672= (NM_001386166.1); c.5757G>A, p.Ser1919= (NM_001386174.1); c.5733G>A, p.Ser1911= (NM_001386175.1); c.4411+3985G>A (NM_001386186.2, NM_001386148.2); c.4213+3985G>A (NM_001354269.3); c.4291+3985G>A (NM_001386187.2); c.4252+3985G>A (NM_001386147.1); and 35 more.
Identifiers: ClinVar variation 457045 (VCV000457045.13), dbSNP rs761557717, ClinGen allele CA3051265.
Genomic context (GRCh38, chr4:113,354,234, plus strand): 5'-GAAACACTCACCTGTGTCACCCTCTGCAAAAACGGAAAGACATTCACCTGCGTCATCATC[G>A]AGTAAAACTGAGAAACACTCACCTGTATCACCCTCGACAAAAACTGAAAGGCACTCTCCT-3'
Protein context (NP_001139.3, residues 1862-1882): KTERHSPASS[Ser1872=]SKTEKHSPVS